The following is an entry in ClinVar:

ClinVar aggregate classification (germline): Uncertain significance. Review status: criteria provided, multiple submitters, no conflicts (2 of 4 stars). 2 submissions from 2 submitters: Uncertain significance (2). Last evaluated 2025-04-22.

Conditions:
BBIP1-related disorder. Also called: BBIP1-related condition.

Submissions (2):

Labcorp Genetics (formerly Invitae), Labcorp
Classification: Uncertain significance. Last evaluated: 2025-04-22. Review status: criteria provided, single submitter. Criteria: Invitae Variant Classification Sherloc (09022015). Collection method: clinical testing. Allele origin: germline.
Comment: This variant, c.135_137del, results in the deletion of 1 amino acid(s) of the BBIP1 protein (p.Ile45del), but otherwise preserves the integrity of the reading frame. This variant is present in population databases (no rsID available, gnomAD 0.004%). This variant has not been reported in the literature in individuals affected with BBIP1-related conditions. ClinVar contains an entry for this variant (Variation ID: 1946342). Experimental studies and prediction algorithms are not available or were not evaluated, and the functional significance of this variant is currently unknown. In summary, the available evidence is currently insufficient to determine the role of this variant in disease. Therefore, it has been classified as a Variant of Uncertain Significance.

PreventionGenetics, part of Exact Sciences
Classification: Uncertain significance for BBIP1-related condition. Last evaluated: 2024-11-26. Review status: criteria provided, single submitter. Criteria: ACMG Guidelines, 2015. Collection method: clinical testing. Allele origin: germline.
Comment: The BBIP1 c.135_137delAAT variant is predicted to result in an in-frame deletion (p.Ile45del). To our knowledge, this variant has not been reported in the literature. This variant is reported in 0.0043% of alleles in individuals of Latino descent in gnomAD. At this time, the clinical significance of this variant is uncertain due to the absence of conclusive functional and genetic evidence.

NM_001195305.3(BBIP1):c.135_137del (p.Ile45del)

Gene: BBIP1 (BBSome interacting protein 1; minus strand). Cytogenetic location: 10q25.2.
Variant type: Deletion.
Coding change: c.135_137del on transcript NM_001195305.3 (MANE Select); coding-DNA positions 135 to 137, 3 bases deleted (AAT; older notation c.135_137delAAT).
Protein change: p.Ile45del; deletes isoleucine 45.
Molecular consequence: inframe deletion.
Genome position (GRCh38, 1-based): chr10:110,900,502-110,900,504, ATT deleted on the plus strand (AAT on the coding strand, the reverse complement: BBIP1 is on the minus strand); deleting any 3 consecutive bases within chr10:110,900,502-110,900,506 gives the same sequence; the c. name uses the placement nearest the transcript's 3' end. VCF-style (leftmost placement, unchanged base first): chr10-110900501-CATT-C. GRCh37 (hg19) VCF-style: chr10-112660259-CATT-C.
Other names: c.135_137delAAT (NM_001195306.1); c.292_294del, p.Asn98del (NM_001195304.2); c.135_137del, p.Ile45del (NM_001195306.2); c.60_62del, p.Ile20del (NM_001195307.2); c.69_71del, p.Ile23del (NM_001243783.3); short protein forms I45del, N98del, I20del, I23del.
Identifiers: ClinVar variation 1946342 (VCV001946342.7), dbSNP rs1181263038, ClinGen allele CA595730025.